The following is an entry in ClinVar:

ClinVar aggregate classification (germline): Benign (1 of 4 stars; one submission).

gnomAD v4.1: 5,234 of 1,614,176 alleles (0.32%); highest among the groups gnomAD compares: African/African-American, 1.3%; 16 homozygotes.

Submission:

CeGaT Center for Human Genetics Tuebingen
Classification: Benign. Last evaluated: 2026-08-01. Review status: criteria provided, single submitter. Criteria: CeGaT Center For Human Genetics Tuebingen Variant Classification Criteria Version 2. Collection method: clinical testing. Allele origin: germline. Affected: yes. Observed: 6 variant alleles.
Comment: MED12L: BS1, BS2

NM_001393769.1(MED12L):c.1828G>T (p.Asp610Tyr)

Gene: MED12L (mediator complex subunit 12L; plus strand). Cytogenetic location: 3q25.1.
Variant type: single nucleotide variant.
Coding change: c.1828G>T on transcript NM_001393769.1 (MANE Select); coding-DNA position 1828, G replaced by T.
Protein change: p.Asp610Tyr; replaces aspartic acid 610 with tyrosine.
Molecular consequence: missense variant.
Genome position (GRCh38, 1-based): chr3:151,190,791, G>T. VCF-style: chr3-151190791-G-T. GRCh37 (hg19) VCF-style: chr3-150908578-G-T.
Other names: c.1828G>T, p.Asp610Tyr (NM_053002.6); short protein forms D610Y.
Identifiers: ClinVar variation 4681308 (VCV004681308.5).